The following is an entry in ClinVar:

ClinVar aggregate classification (germline): Uncertain significance (1 of 4 stars; one submission).

Submission:

GeneDx
Classification: Uncertain significance. Last evaluated: 2021-04-05. Review status: criteria provided, single submitter. Criteria: GeneDx Variant Classification Process June 2021. Collection method: clinical testing. Allele origin: germline. Affected: yes.
Comment: Not observed in large population cohorts (Lek et al., 2016); In silico analysis supports that this missense variant has a deleterious effect on protein structure/function; Has not been previously published as pathogenic or benign to our knowledge

NM_001145809.2(MYH14):c.1020C>G (p.Asn340Lys)

Gene: MYH14 (myosin heavy chain 14; plus strand). Cytogenetic location: 19q13.33.
Variant type: single nucleotide variant.
Coding change: c.1020C>G on transcript NM_001145809.2 (MANE Select); coding-DNA position 1020, C replaced by G.
Protein change: p.Asn340Lys; replaces asparagine 340 with lysine.
Molecular consequence: missense variant.
Genome position (GRCh38, 1-based): chr19:50,231,976, C>G. VCF-style: chr19-50231976-C-G. GRCh37 (hg19) VCF-style: chr19-50735233-C-G.
Other names: c.1020C>G, p.Asn340Lys (NM_001077186.2); c.996C>G, p.Asn332Lys (NM_024729.4); short protein forms N332K, N340K.
Identifiers: ClinVar variation 1314297 (VCV001314297.2), dbSNP rs200900231, ClinGen allele CA406954991.